The following is an entry in ClinVar:

ClinVar aggregate classification (germline): Uncertain significance. Review status: criteria provided, multiple submitters, no conflicts (2 of 4 stars). 2 submissions from 2 submitters: Uncertain significance (2). Last evaluated 2021-11-09.

Conditions:
Inborn genetic diseases. Identifiers: MedGen C0950123, MeSH D030342.

Allele frequency attached by ClinVar (database versions not stated): TOPMed below 0.00001; gnomAD 0.00001; gnomAD exomes 0.00001; ExAC 0.00002; ESP Exome Variant Server 0.00008.
gnomAD v4.1: 13 of 1,611,306 alleles (0.00081%); highest among the groups gnomAD compares: Non-Finnish European, 0.001%; no homozygotes.

Submissions (2):

Ambry Genetics
Classification: Uncertain significance for Inborn genetic diseases. Last evaluated: 2021-11-09. Review status: criteria provided, single submitter. Criteria: Ambry Variant Classification Scheme 2023. Collection method: clinical testing. Allele origin: germline.

GeneDx
Classification: Uncertain significance. Last evaluated: 2017-05-31. Review status: criteria provided, single submitter. Criteria: GeneDx Variant Classification (06012015). Collection method: clinical testing. Allele origin: germline. Affected: yes.
Comment: The I205V variant in the ANO3 gene has not been reported previously as a pathogenic variant, nor as a benign variant, to our knowledge. This variant was not observed at any significant frequency in approximately 6500 individuals of European and African American ancestry in the NHLBI Exome Sequencing Project, indicating it is not a common benign variant in these populations. The I205V variant is a conservative amino acid substitution, which is not likely to impact secondary protein structure as these residues share similar properties. However, this substitution occurs at a position that is conserved across species. In silico analysis is inconsistent in its predictions as to whether or not the variant is damaging to the protein structure/function. We interpret I205V as a variant of uncertain significance.

NM_031418.4(ANO3):c.613A>G (p.Ile205Val)

Gene: ANO3 (anoctamin 3; plus strand). Cytogenetic location: 11p14.2.
Variant type: single nucleotide variant.
Coding change: c.613A>G on transcript NM_031418.4 (MANE Select); coding-DNA position 613, A replaced by G.
Protein change: p.Ile205Val; replaces isoleucine 205 with valine.
Molecular consequence: missense variant.
Genome position (GRCh38, 1-based): chr11:26,516,848, A>G. VCF-style: chr11-26516848-A-G. GRCh37 (hg19) VCF-style: chr11-26538395-A-G.
Other names: c.796A>G, p.Ile266Val (NM_001313726.2); c.175A>G, p.Ile59Val (NM_001313727.2); short protein forms I205V, I266V, I59V.
Identifiers: ClinVar variation 386788 (VCV000386788.4), dbSNP rs375180741, ClinGen allele CA5925624.
Genomic context (GRCh38, chr11:26,516,848, plus strand): 5'-GATTCTAAATAATGTTGCCTATCTTACTATCATTTGCAGCCAGCTATTGCAAGCCCCGAT[A>G]TCATGTTTATTAAAATTCACATTCCATGGGACACGCTGTGCAAGTATGCAGAGAGGCTGA-3'
Protein context (NP_113606.2, residues 195-215): EKEPAIASPD[Ile205Val]MFIKIHIPWD